The following is an entry in ClinVar:

NM_000135.4(FANCA):c.2267G>C (p.Arg756Pro)

Gene: FANCA (FA complementation group A; minus strand). Cytogenetic location: 16q24.3.
Variant type: single nucleotide variant.
Coding change: c.2267G>C on transcript NM_000135.4 (MANE Select); coding-DNA position 2267, G replaced by C.
Protein change: p.Arg756Pro; replaces arginine 756 with proline.
Molecular consequence: missense variant.
Genome position (GRCh38, 1-based): chr16:89,770,215, C>G on the plus strand (G>C on the coding strand, the complement: FANCA is on the minus strand). VCF-style: chr16-89770215-C-G. GRCh37 (hg19) VCF-style: chr16-89836623-C-G.
Other names: p.Arg756Pro; c.2267G>C (NM_000135.3, LRG_495t1); c.2267G>C, p.Arg756Pro (NM_001286167.3); short protein forms R756P.
Identifiers: ClinVar variation 526342 (VCV000526342.18), dbSNP rs137913973, ClinGen allele CA8251806.

ClinVar aggregate classification (germline): Conflicting classifications of pathogenicity. Review status: criteria provided, conflicting classifications (1 of 4 stars). 8 submissions from 8 submitters: Uncertain significance (4); Likely benign (3). 1 of the submissions does not count toward it. Last evaluated 2026-01-18.

Conditions:
Fanconi anemia complementation group A (FANCA). Also called: FANCA-Related Fanconi Anemia; Fanconi anemia, group A. Identifiers: Orphanet 84, MedGen C3469521, MONDO:0009215, OMIM 227650.
Inborn genetic diseases. Identifiers: MedGen C0950123, MeSH D030342.
Fanconi anemia (FA). Also called: Fanconi's anemia. Identifiers: Orphanet 84, MedGen C0015625, MeSH D005199, MONDO:0019391.

Allele frequency attached by ClinVar (database versions not stated): ESP Exome Variant Server 0.00015; ExAC 0.00017; TOPMed 0.00030; 1000 Genomes Project 30x 0.00031; 1000 Genomes Project 0.00040.
gnomAD v4.1: 77 of 1,593,434 alleles (0.0048%); highest among the groups gnomAD compares: African/African-American, 0.092%; no homozygotes.

Submissions (8):

Labcorp Genetics (formerly Invitae), Labcorp
Classification: Likely benign for Fanconi anemia. Last evaluated: 2026-01-18. Review status: criteria provided, single submitter. Criteria: Invitae Variant Classification Sherloc (09022015). Collection method: clinical testing. Allele origin: germline.

GeneDx
Classification: Uncertain significance. Last evaluated: 2025-06-23. Review status: criteria provided, single submitter. Criteria: GeneDx Variant Classification Process June 2021. Collection method: clinical testing. Allele origin: germline. Affected: yes.
Comment: In silico analysis suggests that this missense variant does not alter protein structure/function; Has not been previously published as pathogenic or benign to our knowledge

Ambry Genetics
Classification: Likely benign for Inborn genetic diseases. Last evaluated: 2024-11-18. Review status: criteria provided, single submitter. Criteria: Ambry Variant Classification Scheme 2023. Collection method: clinical testing. Allele origin: germline.

Fulgent Genetics
Classification: Uncertain significance for Fanconi anemia complementation group A. Last evaluated: 2024-06-20. Review status: criteria provided, single submitter. Criteria: ACMG Guidelines, 2015. Collection method: clinical testing. Allele origin: germline.

Mayo Clinic Laboratories, Mayo Clinic
Classification: Uncertain significance. Last evaluated: 2022-11-18. Review status: criteria provided, single submitter. Criteria: ACMG Guidelines, 2015. Collection method: clinical testing. Allele origin: germline. Observed: 1 variant allele.
Comment: PM2

Quest Diagnostics Nichols Institute San Juan Capistrano
Classification: Likely benign. Last evaluated: 2022-10-28. Review status: criteria provided, single submitter. Criteria: Quest Diagnostics criteria. Collection method: clinical testing. Allele origin: unknown.

Baylor Genetics
Classification: Uncertain significance for Fanconi anemia complementation group A. Last evaluated: 2020-12-22. Review status: criteria provided, single submitter. Criteria: ACMG Guidelines, 2015. Collection method: clinical testing. Allele origin: maternal. Affected: yes. Study: CSER-TexasKidsCanSeq.
Comment: This variant was determined to be of uncertain significance according to ACMG Guidelines, 2015 [PMID:25741868].

Natera, Inc.
Classification: Uncertain significance for Fanconi anemia. Last evaluated: 2020-01-23. Review status: no assertion criteria provided. Collection method: clinical testing. Allele origin: germline. Not counted in ClinVar's aggregate classification.